The following is an entry in ClinVar:

NM_033028.5(BBS4):c.1511C>T (p.Ala504Val)

Gene: BBS4 (Bardet-Biedl syndrome 4; plus strand). Cytogenetic location: 15q24.1.
Variant type: single nucleotide variant.
Coding change: c.1511C>T on transcript NM_033028.5 (MANE Select); coding-DNA position 1511, C replaced by T.
Protein change: p.Ala504Val; replaces alanine 504 with valine.
Molecular consequence: missense variant. On other transcripts: non-coding transcript variant (2).
Genome position (GRCh38, 1-based): chr15:72,737,538, C>T. VCF-style: chr15-72737538-C-T. GRCh37 (hg19) VCF-style: chr15-73029879-C-T.
Other names: c.1511C>T (NM_033028.3); c.995C>T, p.Ala332Val (NM_001252678.2); c.1442C>T, p.Ala481Val (NM_001320665.2); short protein forms A481V, A332V, A504V.
Identifiers: ClinVar variation 840690 (VCV000840690.17), dbSNP rs150706579, ClinGen allele CA7647059.

ClinVar aggregate classification (germline): Conflicting classifications of pathogenicity. Review status: criteria provided, conflicting classifications (1 of 4 stars). 7 submissions from 7 submitters: Uncertain significance (5); Likely benign (2). Last evaluated 2026-07-01.

Conditions:
Bardet-Biedl syndrome (BBS). Identifiers: Orphanet 110, MedGen C0752166, MONDO:0015229.
BBS4-related disorder. Also called: BBS4-related condition.
Inborn genetic diseases. Identifiers: MedGen C0950123, MeSH D030342.
Bardet-Biedl syndrome 4 (BBS4). Identifiers: Orphanet 110, MedGen C2936864, MONDO:0014433, OMIM 615982.

Allele frequency attached by ClinVar (database versions not stated): ESP Exome Variant Server 0.00008; gnomAD exomes 0.00011 and 0.00015; ExAC 0.00012; gnomAD 0.00023 and 0.00029; TOPMed 0.00029.
gnomAD v4.1: 217 of 1,612,580 alleles (0.013%); highest among the groups gnomAD compares: Admixed American, 0.084%; no homozygotes.

Submissions (7):

CeGaT Center for Human Genetics Tuebingen
Classification: Likely benign. Last evaluated: 2026-07-01. Review status: criteria provided, single submitter. Criteria: CeGaT Center For Human Genetics Tuebingen Variant Classification Criteria Version 2. Collection method: clinical testing. Allele origin: germline. Affected: yes. Observed: 1 variant allele.
Comment: BBS4: BP4

PreventionGenetics, part of Exact Sciences
Classification: Uncertain significance for BBS4-related condition. Last evaluated: 2026-03-10. Review status: criteria provided, single submitter. Criteria: ACMG Guidelines, 2015. Collection method: clinical testing. Allele origin: germline.
Comment: The BBS4 c.1511C>T variant is predicted to result in the amino acid substitution p.Ala504Val. To our knowledge, this variant has not been reported in individuals with BBS4-related disorders. This variant is reported in 0.080% of alleles in individuals of Latino descent in gnomAD, which may be too common to be an undocumented pathogenic variant. Although we suspect that this variant may be benign, at this time, the clinical significance of this variant is uncertain due to the absence of conclusive functional and genetic evidence.

Blueprint Genetics
Classification: Likely benign. Last evaluated: 2024-10-15. Review status: criteria provided, single submitter. Criteria: ACMG Guidelines, 2015. Collection method: clinical testing. Allele origin: germline.

Ambry Genetics
Classification: Uncertain significance for Inborn genetic diseases. Last evaluated: 2024-05-13. Review status: criteria provided, single submitter. Criteria: Ambry Variant Classification Scheme 2023. Collection method: clinical testing. Allele origin: germline.

Fulgent Genetics
Classification: Uncertain significance for Bardet-Biedl syndrome 4. Last evaluated: 2024-01-16. Review status: criteria provided, single submitter. Criteria: ACMG Guidelines, 2015. Collection method: clinical testing. Allele origin: germline.

Labcorp Genetics (formerly Invitae), Labcorp
Classification: Uncertain significance for Bardet-Biedl syndrome. Last evaluated: 2022-10-21. Review status: criteria provided, single submitter. Criteria: Invitae Variant Classification Sherloc (09022015). Collection method: clinical testing. Allele origin: germline.
Comment: This sequence change replaces alanine, which is neutral and non-polar, with valine, which is neutral and non-polar, at codon 504 of the BBS4 protein (p.Ala504Val). This variant is present in population databases (rs150706579, gnomAD 0.08%). This variant has not been reported in the literature in individuals affected with BBS4-related conditions. ClinVar contains an entry for this variant (Variation ID: 840690). Algorithms developed to predict the effect of missense changes on protein structure and function (SIFT, PolyPhen-2, Align-GVGD) all suggest that this variant is likely to be tolerated. In summary, the available evidence is currently insufficient to determine the role of this variant in disease. Therefore, it has been classified as a Variant of Uncertain Significance.

Illumina Laboratory Services, Illumina
Classification: Uncertain significance for Bardet-Biedl syndrome 4. Last evaluated: 2018-03-02. Review status: criteria provided, single submitter. Criteria: ICSL Variant Classification Criteria 13 December 2019. Collection method: clinical testing. Allele origin: germline.